The following is an entry in ClinVar:

ClinVar aggregate classification (germline): Uncertain significance (1 of 4 stars; one submission).

Conditions:
Dilated cardiomyopathy 1DD (CMD1DD). Identifiers: Orphanet 154, MedGen C2750995, MONDO:0013168, OMIM 613172.

Allele frequency attached by ClinVar (database versions not stated): gnomAD exomes below 0.00001.
gnomAD v4.1: 1 of 1,551,578 alleles (0.000064%); highest among the groups gnomAD compares: East Asian, 0.0024%; no homozygotes.

Submission:

Labcorp Genetics (formerly Invitae), Labcorp
Classification: Uncertain significance for Dilated cardiomyopathy 1DD. Last evaluated: 2024-12-06. Review status: criteria provided, single submitter. Criteria: Invitae Variant Classification Sherloc (09022015). Collection method: clinical testing. Allele origin: germline.
Comment: This sequence change replaces histidine, which is basic and polar, with asparagine, which is neutral and polar, at codon 795 of the RBM20 protein (p.His795Asn). This variant is not present in population databases (gnomAD no frequency). This variant has not been reported in the literature in individuals affected with RBM20-related conditions. ClinVar contains an entry for this variant (Variation ID: 1398936). Invitae Evidence Modeling of protein sequence and biophysical properties (such as structural, functional, and spatial information, amino acid conservation, physicochemical variation, residue mobility, and thermodynamic stability) indicates that this missense variant is not expected to disrupt RBM20 protein function with a negative predictive value of 95%. In summary, the available evidence is currently insufficient to determine the role of this variant in disease. Therefore, it has been classified as a Variant of Uncertain Significance.

NM_001134363.3(RBM20):c.2383C>A (p.His795Asn)

Gene: RBM20 (RNA binding motif protein 20; plus strand). Cytogenetic location: 10q25.2.
Variant type: single nucleotide variant.
Coding change: c.2383C>A on transcript NM_001134363.3 (MANE Select); coding-DNA position 2383, C replaced by A.
Protein change: p.His795Asn; replaces histidine 795 with asparagine.
Molecular consequence: missense variant.
Genome position (GRCh38, 1-based): chr10:110,812,780, C>A. VCF-style: chr10-110812780-C-A. GRCh37 (hg19) VCF-style: chr10-112572538-C-A.
Other names: short protein forms H795N.
Identifiers: ClinVar variation 1398936 (VCV001398936.8), dbSNP rs2135105962, ClinGen allele CA378373675.
Genomic context (GRCh38, chr10:110,812,780, plus strand): 5'-CAGCAGGATGCCCCCGGGAGGTCCAGGAGGAAAGACGAGGCCAGGCTGCGGGAAAGCAGA[C>A]ACCCCCATCCGGATGACTCAGGCAAGGAAGATGGGCTGGGGCCAAAGGTCACTAGGGCCC-3'
Protein context (NP_001127835.2, residues 785-805): KDEARLRESR[His795Asn]PHPDDSGKED